The following is an entry in ClinVar:

NM_005529.7(HSPG2):c.121G>A (p.Val41Ile)

Gene: HSPG2 (heparan sulfate proteoglycan 2; minus strand). Cytogenetic location: 1p36.12.
Variant type: single nucleotide variant.
Coding change: c.121G>A on transcript NM_005529.7 (MANE Select); coding-DNA position 121, G replaced by A.
Protein change: p.Val41Ile; replaces valine 41 with isoleucine.
Molecular consequence: missense variant.
Genome position (GRCh38, 1-based): chr1:21,896,253, C>T on the plus strand (G>A on the coding strand, the complement: HSPG2 is on the minus strand). VCF-style: chr1-21896253-C-T. GRCh37 (hg19) VCF-style: chr1-22222746-C-T.
Other names: c.121G>A, p.Val41Ile (NM_001291860.2); c.121G>A (NM_005529.5); short protein forms V41I.
Identifiers: ClinVar variation 1369537 (VCV001369537.4), dbSNP rs774480435, ClinGen allele CA674025.

ClinVar aggregate classification (germline): Uncertain significance. Review status: criteria provided, multiple submitters, no conflicts (2 of 4 stars). 2 submissions from 2 submitters: Uncertain significance (2). Last evaluated 2024-01-25.

Conditions:
Inborn genetic diseases. Identifiers: MedGen C0950123, MeSH D030342.

Allele frequency attached by ClinVar (database versions not stated): gnomAD 0.00002 and 0.00003; TOPMed 0.00005; gnomAD exomes 0.00007; ExAC 0.00008.

Submissions (2):

Ambry Genetics
Classification: Uncertain significance for Inborn genetic diseases. Last evaluated: 2024-01-25. Review status: criteria provided, single submitter. Criteria: Ambry Variant Classification Scheme 2023. Collection method: clinical testing. Allele origin: germline.

Labcorp Genetics (formerly Invitae), Labcorp
Classification: Uncertain significance. Last evaluated: 2022-07-26. Review status: criteria provided, single submitter. Criteria: Invitae Variant Classification Sherloc (09022015). Collection method: clinical testing. Allele origin: germline.
Comment: This sequence change replaces valine, which is neutral and non-polar, with isoleucine, which is neutral and non-polar, at codon 41 of the HSPG2 protein (p.Val41Ile). This variant is present in population databases (rs774480435, gnomAD 0.03%). This variant has not been reported in the literature in individuals affected with HSPG2-related conditions. ClinVar contains an entry for this variant (Variation ID: 1369537). Algorithms developed to predict the effect of missense changes on protein structure and function output the following: SIFT: "Deleterious"; PolyPhen-2: "Benign"; Align-GVGD: "Class C0". The isoleucine amino acid residue is found in multiple mammalian species, which suggests that this missense change does not adversely affect protein function. In summary, the available evidence is currently insufficient to determine the role of this variant in disease. Therefore, it has been classified as a Variant of Uncertain Significance.